The following is an entry in ClinVar:

NM_022765.4(MICAL1):c.1526G>A (p.Gly509Asp)

Gene: MICAL1 (microtubule associated monooxygenase, calponin and LIM domain containing 1; minus strand). Cytogenetic location: 6q21.
Variant type: single nucleotide variant.
Coding change: c.1526G>A on transcript NM_022765.4 (MANE Select); coding-DNA position 1526, G replaced by A.
Protein change: p.Gly509Asp; replaces glycine 509 with aspartic acid.
Molecular consequence: missense variant.
Genome position (GRCh38, 1-based): chr6:109,448,870, C>T on the plus strand (G>A on the coding strand, the complement: MICAL1 is on the minus strand). VCF-style: chr6-109448870-C-T. GRCh37 (hg19) VCF-style: chr6-109770073-C-T.
Other names: c.1268G>A, p.Gly423Asp (NM_001159291.2); c.1583G>A, p.Gly528Asp (NM_001286613.2); short protein forms G509D, G528D, G423D.
Identifiers: ClinVar variation 4780337 (VCV004780337.1).
Genomic context (GRCh38, chr6:109,448,870, plus strand): 5'-TGGACTCCCGGGTACCCAGCTGTCTGCTCCTGGCACCAGCGTAGCAGCTCCTCCTGGGTG[C>T]CTGCCGACCCTGGGAAAGAAGGCTGTGCTGTGCCCAAGGCCCCCTCTGCCCATCCCAGGC-3'
Protein context (NP_073602.3, residues 499-519): DTGMPATGSA[Gly509Asp]TQEELLRWCQ

ClinVar aggregate classification (germline): Uncertain significance (1 of 4 stars; one submission).

Submission:

Labcorp Genetics (formerly Invitae), Labcorp
Classification: Uncertain significance. Last evaluated: 2025-07-10. Review status: criteria provided, single submitter. Criteria: Invitae Variant Classification Sherloc (09022015). Collection method: clinical testing. Allele origin: germline.
Comment: This sequence change replaces glycine, which is neutral and non-polar, with aspartic acid, which is acidic and polar, at codon 528 of the MICAL1 protein (p.Gly528Asp). This variant is not present in population databases (gnomAD no frequency). This variant has not been reported in the literature in individuals affected with MICAL1-related conditions. An algorithm developed to predict the effect of missense changes on protein structure and function outputs the following: PolyPhen-2: "Benign". The aspartic acid amino acid residue is found in multiple mammalian species, which suggests that this missense change does not adversely affect protein function. In summary, the available evidence is currently insufficient to determine the role of this variant in disease. Therefore, it has been classified as a Variant of Uncertain Significance.